The following is an entry in ClinVar:

NM_000350.3(ABCA4):c.5312+2_5312+3del

Gene: ABCA4 (ATP binding cassette subfamily A member 4; minus strand). Cytogenetic location: 1p22.1.
Variant type: Deletion.
Coding change: c.5312+2_5312+3del on transcript NM_000350.3 (MANE Select); the canonical splice donor site of the intron after coding-DNA position 5312 through 3 bases into the intron after coding-DNA position 5312, 2 bases deleted (TA; older notation c.5312+2_5312+3delTA).
Molecular consequence: splice donor variant.
Genome position (GRCh38, 1-based): chr1:94,015,736-94,015,737, TA deleted on the plus strand (TA on the coding strand, the reverse complement: ABCA4 is on the minus strand). VCF-style (leftmost placement, unchanged base first): chr1-94015735-TTA-T. GRCh37 (hg19) VCF-style: chr1-94481291-TTA-T.
Other names: c.5090+2_5090+3del (NM_001425324.1).
Identifiers: ClinVar variation 3767364 (VCV003767364.1).

ClinVar aggregate classification (germline): Likely pathogenic (1 of 4 stars; one submission).

Conditions:
Retinitis pigmentosa 19 (RP19). Also called: ABCA4-Related Retinitis Pigmentosa. Identifiers: Orphanet 791, MedGen C1866422, MONDO:0011137, OMIM 601718.

Submission:

SingHealth Duke-NUS Institute of Precision Medicine
Classification: Likely pathogenic for Retinitis pigmentosa 19. Last evaluated: 2025-02-05. Review status: criteria provided, single submitter. Criteria: PRISM ACMG Classification Criteria. Collection method: clinical testing. Allele origin: germline. Affected: yes.
Comment: The variant is predicted to cause splicing which disrupts the reading frame and causes nonsense-mediated decay (PVS1). Variant is not found in gnomAD exomes and genomes (PM2)